The following is an entry in ClinVar:

Conditions:
Long QT syndrome 5 (LQT5). Identifiers: Orphanet 101016, Orphanet 768, MedGen C1867904, MONDO:0013372, OMIM 613695.

Submission:

Roden Lab, Vanderbilt University Medical Center
No classification provided (evidence only). Condition: Long QT syndrome 5. Review status: no classification provided. Collection method: in vitro. Allele origin: not applicable. Functional consequence: Effect on ion channel function.
ClinVar note: "not provided" was previously submitted as the classification for the variant. However, the classification appeared to be based only on an observation of functional data so it was converted to no classification on 2025-07-30.

NM_000219.6(KCNE1):c.331A>G (p.Asn111Asp)

Gene: KCNE1 (potassium voltage-gated channel subfamily E regulatory subunit 1; minus strand). Cytogenetic location: 21q22.12.
Variant type: single nucleotide variant.
Coding change: c.331A>G on transcript NM_000219.6 (MANE Select); coding-DNA position 331, A replaced by G.
Protein change: p.Asn111Asp; replaces asparagine 111 with aspartic acid.
Molecular consequence: missense variant.
Genome position (GRCh38, 1-based): chr21:34,449,304, T>C on the plus strand (A>G on the coding strand, the complement: KCNE1 is on the minus strand). VCF-style: chr21-34449304-T-C. GRCh37 (hg19) VCF-style: chr21-35821602-T-C.
Other names: c.331A>G, p.Asn111Asp (NM_001127668.4, NM_001127669.4, NM_001127670.4 and 4 more transcripts); short protein forms N111D.
Identifiers: ClinVar variation 3374660 (VCV003374660.2).